The following is an entry in ClinVar:

ClinVar aggregate classification (germline): Likely benign (0 of 4 stars; one submission).

Conditions:
SEMA3G-related disorder. Also called: SEMA3G-related condition.

gnomAD v4.1: 36 of 1,612,898 alleles (0.0022%); highest among the groups gnomAD compares: Admixed American, 0.0033%; no homozygotes.

Submission:

PreventionGenetics, part of Exact Sciences
Classification: Likely benign for SEMA3G-related condition. Last evaluated: 2022-07-06. Review status: no assertion criteria provided. Collection method: clinical testing. Allele origin: germline.
Comment: This variant is classified as likely benign based on ACMG/AMP sequence variant interpretation guidelines (Richards et al. 2015 PMID: 25741868, with internal and published modifications).

NM_020163.3(SEMA3G):c.2325G>A (p.Thr775=)

Gene: SEMA3G (semaphorin 3G; minus strand). Cytogenetic location: 3p21.1.
Variant type: single nucleotide variant.
Coding change: c.2325G>A on transcript NM_020163.3 (MANE Select); coding-DNA position 2325, G replaced by A.
Protein change: p.Thr775=; no amino-acid change (threonine 775 retained).
Molecular consequence: synonymous variant.
Genome position (GRCh38, 1-based): chr3:52,435,627, C>T on the plus strand (G>A on the coding strand, the complement: SEMA3G is on the minus strand). VCF-style: chr3-52435627-C-T. GRCh37 (hg19) VCF-style: chr3-52469643-C-T.
Identifiers: ClinVar variation 3352265 (VCV003352265.1).